The following is an entry in ClinVar:

NM_152443.3(RDH12):c.188-2A>G

Genes: GPHN (gephyrin; plus strand), RDH12 (retinol dehydrogenase 12; plus strand). Cytogenetic location: 14q24.1.
Variant type: single nucleotide variant.
Coding change: c.188-2A>G on transcript NM_152443.3 (MANE Select); the canonical splice acceptor site of the intron before coding-DNA position 188, A replaced by G.
Molecular consequence: splice acceptor variant.
Genome position (GRCh38, 1-based): chr14:67,725,097, A>G. VCF-style: chr14-67725097-A-G. GRCh37 (hg19) VCF-style: chr14-68191814-A-G.
Identifiers: ClinVar variation 2678304 (VCV002678304.4), dbSNP rs1228568835, ClinGen allele CA390148456.

ClinVar aggregate classification (germline): Likely pathogenic. Review status: criteria provided, multiple submitters, no conflicts (2 of 4 stars). 2 submissions from 2 submitters: Likely pathogenic (2). Last evaluated 2023-07-19.

Conditions:
Leber congenital amaurosis 13 (LCA13). Identifiers: MedGen C2675186, MONDO:0012990, OMIM 612712.

Allele frequency attached by ClinVar (database versions not stated): gnomAD exomes below 0.00001; TOPMed 0.00001.
gnomAD v4.1: 1 of 1,614,194 alleles (0.000062%); highest among the groups gnomAD compares: Non-Finnish European, 0.000085%; no homozygotes.

Submissions (2):

Labcorp Genetics (formerly Invitae), Labcorp
Classification: Likely pathogenic for Leber congenital amaurosis 13. Last evaluated: 2023-07-19. Review status: criteria provided, single submitter. Criteria: Invitae Variant Classification Sherloc (09022015). Collection method: clinical testing. Allele origin: germline.
Comment: This sequence change affects an acceptor splice site in intron 4 of the RDH12 gene. It is expected to disrupt RNA splicing. Variants that disrupt the donor or acceptor splice site typically lead to a loss of protein function (PMID: 16199547), and loss-of-function variants in RDH12 are known to be pathogenic (PMID: 17964524, 22065924, 32014858, 34001834). This variant is not present in population databases (gnomAD no frequency). Disruption of this splice site has been observed in individual(s) with autosomal recessive retinitis pigmentosa (PMID: 35006499). Algorithms developed to predict the effect of sequence changes on RNA splicing suggest that this variant may disrupt the consensus splice site. In summary, the currently available evidence indicates that the variant is pathogenic, but additional data are needed to prove that conclusively. Therefore, this variant has been classified as Likely Pathogenic.

Baylor Genetics
Classification: Likely pathogenic for Leber congenital amaurosis 13. Last evaluated: 2023-01-29. Review status: criteria provided, single submitter. Criteria: ACMG Guidelines, 2015. Collection method: clinical testing. Allele origin: unknown.

Literature cited by the submitters: PubMed 16199547 (cited by Labcorp Genetics (formerly Invitae), Labcorp); PubMed 17964524 (cited by Labcorp Genetics (formerly Invitae), Labcorp); PubMed 22065924 (cited by Labcorp Genetics (formerly Invitae), Labcorp); PubMed 32014858 (cited by Labcorp Genetics (formerly Invitae), Labcorp); PubMed 34001834 (cited by Labcorp Genetics (formerly Invitae), Labcorp); PubMed 35006499 (cited by Labcorp Genetics (formerly Invitae), Labcorp).